The following is an entry in ClinVar:

ClinVar aggregate classification (germline): Likely benign. Review status: criteria provided, multiple submitters, no conflicts (2 of 4 stars). 4 submissions from 4 submitters: Likely benign (4). Last evaluated 2025-12-01.

Conditions:
Cardiovascular phenotype. Identifiers: MedGen CN230736.
Alstrom syndrome (ALMS). Identifiers: Orphanet 64, MedGen C0268425, MONDO:0008763, OMIM 203800.

Allele frequency attached by ClinVar (database versions not stated): gnomAD exomes 0.00002; TOPMed 0.00001.

Submissions (4):

CeGaT Center for Human Genetics Tuebingen
Classification: Likely benign. Last evaluated: 2025-12-01. Review status: criteria provided, single submitter. Criteria: CeGaT Center For Human Genetics Tuebingen Variant Classification Criteria Version 2. Collection method: clinical testing. Allele origin: germline. Affected: yes. Observed: 1 variant allele.
Comment: ALMS1: BP4, BP7

Labcorp Genetics (formerly Invitae), Labcorp
Classification: Likely benign for Alstrom syndrome. Last evaluated: 2025-10-25. Review status: criteria provided, single submitter. Criteria: Invitae Variant Classification Sherloc (09022015). Collection method: clinical testing. Allele origin: germline.

Ambry Genetics
Classification: Likely benign for Cardiovascular phenotype. Last evaluated: 2024-03-28. Review status: criteria provided, single submitter. Criteria: Ambry Variant Classification Scheme 2023. Collection method: clinical testing. Allele origin: germline.

Fulgent Genetics
Classification: Likely benign for Alstrom syndrome. Last evaluated: 2022-02-12. Review status: criteria provided, single submitter. Criteria: ACMG Guidelines, 2015. Collection method: clinical testing. Allele origin: unknown.

NM_001378454.1(ALMS1):c.5163C>T (p.Phe1721=)

Gene: ALMS1 (ALMS1 centrosome and basal body associated protein; plus strand). Cytogenetic location: 2p13.1.
Variant type: single nucleotide variant.
Coding change: c.5163C>T on transcript NM_001378454.1 (MANE Select); coding-DNA position 5163, C replaced by T.
Protein change: p.Phe1721=; no amino-acid change (phenylalanine 1721 retained).
Molecular consequence: synonymous variant.
Genome position (GRCh38, 1-based): chr2:73,451,690, C>T. VCF-style: chr2-73451690-C-T. GRCh37 (hg19) VCF-style: chr2-73678817-C-T.
Other names: c.5166C>T, p.Phe1722= (NM_015120.4).
Identifiers: ClinVar variation 1099613 (VCV001099613.14), dbSNP rs1222275039, ClinGen allele CA427021309.